The following is an entry in ClinVar:

NM_006914.4(RORB):c.1121G>A (p.Trp374Ter)

Gene: RORB (RAR related orphan receptor B; plus strand). Cytogenetic location: 9q21.13.
Variant type: single nucleotide variant.
Coding change: c.1121G>A on transcript NM_006914.4 (MANE Select); coding-DNA position 1121, G replaced by A.
Protein change: p.Trp374Ter; replaces tryptophan 374 with a stop codon.
Molecular consequence: nonsense.
Genome position (GRCh38, 1-based): chr9:74,671,798, G>A. VCF-style: chr9-74671798-G-A. GRCh37 (hg19) VCF-style: chr9-77286714-G-A.
Other names: c.1154G>A, p.Trp385Ter (NM_001365023.1); short protein forms W374*, W385*.
Identifiers: ClinVar variation 3363344 (VCV003363344.1).

ClinVar aggregate classification (germline): Pathogenic (1 of 4 stars; one submission).

Submission:

GeneDx
Classification: Pathogenic. Last evaluated: 2023-10-24. Review status: criteria provided, single submitter. Criteria: GeneDx Variant Classification Process June 2021. Collection method: clinical testing. Allele origin: germline. Affected: yes.
Comment: Reported previously in an individual with autism; detailed clinical information and segregation not provided (PMID: 34312540); Nonsense variant predicted to result in protein truncation or nonsense mediated decay in a gene for which loss of function is a known mechanism of disease; Not observed at significant frequency in large population cohorts (gnomAD); This variant is associated with the following publications: (PMID: 34312540)